The following is an entry in ClinVar:

NM_000543.5(SMPD1):c.1557C>T (p.Tyr519=)

Gene: SMPD1 (sphingomyelin phosphodiesterase 1; plus strand). Cytogenetic location: 11p15.4.
Variant type: single nucleotide variant.
Coding change: c.1557C>T on transcript NM_000543.5 (MANE Select); coding-DNA position 1557, C replaced by T.
Protein change: p.Tyr519=; no amino-acid change (tyrosine 519 retained).
Molecular consequence: synonymous variant. On other transcripts: 3 prime UTR variant (1), non-coding transcript variant (2).
Genome position (GRCh38, 1-based): chr11:6,394,268, C>T. VCF-style: chr11-6394268-C-T. GRCh37 (hg19) VCF-style: chr11-6415498-C-T.
Other names: c.1557C>T (NM_000543.4); c.1554C>T, p.Tyr518= (NM_001007593.3); c.*50C>T (NM_001318087.2); c.636C>T, p.Tyr212= (NM_001318088.2); c.1425C>T, p.Tyr475= (NM_001365135.2).
Identifiers: ClinVar variation 1107268 (VCV001107268.11), dbSNP rs756192072, ClinGen allele CA5852934.

ClinVar aggregate classification (germline): Likely benign. Review status: criteria provided, single submitter (1 of 4 stars). 2 submissions from 2 submitters: Likely benign (1). 1 of the submissions does not count toward it. Last evaluated 2026-01-19.

Conditions:
SMPD1-related disorder. Also called: SMPD1-related condition.
Niemann-Pick disease, type B. Also called: Chronic Visceral ASMD (Niemann-Pick Disease Type B; NPD-B). Identifiers: Orphanet 77293, MedGen C0268243, MONDO:0011871, OMIM 607616. Disease mechanism: loss of function.
Niemann-Pick disease, type A. Also called: SPHINGOMYELIN LIPIDOSIS; SPHINGOMYELINASE DEFICIENCY; Infantile Neurovisceral ASMD (Niemann-Pick Disease Type A; NPD-A). Identifiers: Orphanet 77292, MedGen C0268242, MONDO:0009756, OMIM 257200. Disease mechanism: loss of function.

Allele frequency attached by ClinVar (database versions not stated): ExAC 0.00002.

Submissions (2):

Labcorp Genetics (formerly Invitae), Labcorp
Classification: Likely benign for Niemann-Pick disease, type B; Niemann-Pick disease, type A. Last evaluated: 2026-01-19. Review status: criteria provided, single submitter. Criteria: Invitae Variant Classification Sherloc (09022015). Collection method: clinical testing. Allele origin: germline.

PreventionGenetics, part of Exact Sciences
Classification: Likely benign for SMPD1-related condition. Last evaluated: 2021-05-19. Review status: no assertion criteria provided. Collection method: clinical testing. Allele origin: germline. Not counted in ClinVar's aggregate classification.
Comment: This variant is classified as likely benign based on ACMG/AMP sequence variant interpretation guidelines (Richards et al. 2015 PMID: 25741868, with internal and published modifications).